The following is an entry in ClinVar:

NM_138295.5(PKD1L1):c.2064+9G>C

Gene: PKD1L1 (polycystin 1 like 1, transient receptor potential channel interacting; minus strand). Cytogenetic location: 7p12.3.
Variant type: single nucleotide variant.
Coding change: c.2064+9G>C on transcript NM_138295.5 (MANE Select); 9 bases into the intron after coding-DNA position 2064, G replaced by C.
Molecular consequence: intron variant.
Genome position (GRCh38, 1-based): chr7:47,902,370, C>G on the plus strand (G>C on the coding strand, the complement: PKD1L1 is on the minus strand). VCF-style: chr7-47902370-C-G. GRCh37 (hg19) VCF-style: chr7-47941967-C-G.
Identifiers: ClinVar variation 4984771 (VCV004984771.1).

ClinVar aggregate classification (germline): Likely benign (1 of 4 stars; one submission).

Conditions:
PKD1L1-related disorder. Also called: PKD1L1-related condition.

Submission:

PreventionGenetics, part of Exact Sciences
Classification: Likely benign for PKD1L1-related condition. Last evaluated: 2025-09-25. Review status: criteria provided, single submitter. Criteria: ACMG Guidelines, 2015. Collection method: clinical testing. Allele origin: germline.
Comment: This variant is classified as likely benign based on ACMG/AMP sequence variant interpretation guidelines (Richards et al. 2015 PMID: 25741868, with internal and published modifications).